The following is an entry in ClinVar:

ClinVar aggregate classification (germline): Likely benign (1 of 4 stars; one submission).

Conditions:
Osteogenesis imperfecta type 7 (OI7). Also called: OSTEOGENESIS IMPERFECTA, TYPE IIB; Osteogenesis imperfecta type 2B; OI type 2B; Osteogenesis imperfecta, perinatal lethal autosomal recessive; OI type IIB; OI type 7. Identifiers: MedGen C1853162, MONDO:0012536, OMIM 610682.

Allele frequency attached by ClinVar (database versions not stated): gnomAD 0.00220 and 0.00234; TOPMed 0.00246; 1000 Genomes Project 30x 0.00265; 1000 Genomes Project 0.00280.

Submission:

Illumina Laboratory Services, Illumina
Classification: Likely benign for Osteogenesis imperfecta type 7. Last evaluated: 2018-01-12. Review status: criteria provided, single submitter. Criteria: ICSL Variant Classification Criteria 13 December 2019. Collection method: clinical testing. Allele origin: germline.
Comment: This variant was observed in the ICSL laboratory as part of a predisposition screen in an ostensibly healthy population. It had not been previously curated by ICSL or reported in the Human Gene Mutation Database (HGMD: prior to June 1st, 2018), and was therefore a candidate for classification through an automated scoring system. Utilizing variant allele frequency, disease prevalence and penetrance estimates, and inheritance mode, an automated score was calculated to assess if this variant is too frequent to cause the disease. Based on the score and internal cut-off values, a variant classified as likely benign is not then subjected to further curation. The score for this variant resulted in a classification of likely benign for this disease.

NM_006371.5(CRTAP):c.*2524G>A

Gene: CRTAP (cartilage associated protein; plus strand). Cytogenetic location: 3p22.3.
Variant type: single nucleotide variant.
Coding change: c.*2524G>A on transcript NM_006371.5 (MANE Select); 2524 bases downstream of the stop codon, G replaced by A.
Molecular consequence: 3 prime UTR variant.
Genome position (GRCh38, 1-based): chr3:33,144,972, G>A. VCF-style: chr3-33144972-G-A. GRCh37 (hg19) VCF-style: chr3-33186464-G-A.
Identifiers: ClinVar variation 903498 (VCV000903498.4), dbSNP rs150800828, ClinGen allele CA72674322.